The following is an entry in ClinVar:

ClinVar aggregate classification (germline): Uncertain significance (1 of 4 stars; one submission).

Conditions:
Spastic paraplegia. Identifiers: MedGen C0037772, HP:0001258.

Allele frequency attached by ClinVar (database versions not stated): TOPMed 0.00001.

Submission:

Labcorp Genetics (formerly Invitae), Labcorp
Classification: Uncertain significance for Spastic paraplegia. Last evaluated: 2022-04-28. Review status: criteria provided, single submitter. Criteria: Invitae Variant Classification Sherloc (09022015). Collection method: clinical testing. Allele origin: germline.
Comment: This sequence change replaces phenylalanine, which is neutral and non-polar, with leucine, which is neutral and non-polar, at codon 496 of the SLC16A2 protein (p.Phe496Leu). This variant is not present in population databases (gnomAD no frequency). This variant has not been reported in the literature in individuals affected with SLC16A2-related conditions. Advanced modeling of protein sequence and biophysical properties (such as structural, functional, and spatial information, amino acid conservation, physicochemical variation, residue mobility, and thermodynamic stability) performed at Invitae indicates that this missense variant is not expected to disrupt SLC16A2 protein function. In summary, the available evidence is currently insufficient to determine the role of this variant in disease. Therefore, it has been classified as a Variant of Uncertain Significance.

NM_006517.5(SLC16A2):c.1486T>C (p.Phe496Leu)

Gene: SLC16A2 (solute carrier family 16 member 2; plus strand). Cytogenetic location: Xq13.2.
Variant type: single nucleotide variant.
Coding change: c.1486T>C on transcript NM_006517.5 (MANE Select); coding-DNA position 1486, T replaced by C.
Protein change: p.Phe496Leu; replaces phenylalanine 496 with leucine.
Molecular consequence: missense variant.
Genome position (GRCh38, 1-based): chrX:74,531,419, T>C. VCF-style: chrX-74531419-T-C. GRCh37 (hg19) VCF-style: chrX-73751254-T-C.
Other names: short protein forms F496L.
Identifiers: ClinVar variation 2131134 (VCV002131134.4), dbSNP rs1930567202, ClinGen allele CA413659017.